The following is an entry in ClinVar:

ClinVar aggregate classification (germline): Likely benign (1 of 4 stars; one submission).

Allele frequency attached by ClinVar (database versions not stated): 1000 Genomes Project 30x 0.00219; 1000 Genomes Project 0.00240; ESP Exome Variant Server 0.00408.
gnomAD v4.1: 7,378 of 1,611,886 alleles (0.46%); highest among the groups gnomAD compares: Middle Eastern, 0.54%; 27 homozygotes.

Submission:

CeGaT Center for Human Genetics Tuebingen
Classification: Likely benign. Last evaluated: 2023-03-01. Review status: criteria provided, single submitter. Criteria: CeGaT Center For Human Genetics Tuebingen Variant Classification Criteria Version 2. Collection method: clinical testing. Allele origin: germline. Affected: yes. Observed: 2 variant alleles.
Comment: NBPF20: BP4, BP7; NBPF26: BP4, BP7

NM_001397211.1(NBPF20):c.16827A>C (p.Ser5609=)

Gene: NBPF20 (NBPF member 20; minus strand). Cytogenetic location: 1q21.1.
Variant type: single nucleotide variant.
Coding change: c.16827A>C on transcript NM_001397211.1 (MANE Select); coding-DNA position 16827, A replaced by C.
Protein change: p.Ser5609=; no amino-acid change (serine 5609 retained).
Molecular consequence: synonymous variant.
Genome position (GRCh38, 1-based): chr1:145,291,637, T>G on the plus strand (A>C on the coding strand, the complement: NBPF20 is on the minus strand). VCF-style: chr1-145291637-T-G. GRCh37 (hg19) VCF-style: chr1-148251986-T-G.
Other names: c.15513A>C, p.Ser5171= (NM_001278267.1).
Identifiers: ClinVar variation 2639137 (VCV002639137.24), dbSNP rs199949374, ClinGen allele CA1067869.